The following is an entry in ClinVar:

NM_207352.4(CYP4V2):c.1004C>A (p.Ala335Glu)

Gene: CYP4V2 (cytochrome P450 family 4 subfamily V member 2; plus strand). Cytogenetic location: 4q35.2.
Variant type: single nucleotide variant.
Coding change: c.1004C>A on transcript NM_207352.4 (MANE Select); coding-DNA position 1004, C replaced by A.
Protein change: p.Ala335Glu; replaces alanine 335 with glutamic acid.
Molecular consequence: missense variant.
Genome position (GRCh38, 1-based): chr4:186,205,216, C>A. VCF-style: chr4-186205216-C-A. GRCh37 (hg19) VCF-style: chr4-187126370-C-A.
Other names: short protein forms A335E.
Identifiers: ClinVar variation 1386517 (VCV001386517.6), dbSNP rs2126595445, ClinGen allele CA358949242.

ClinVar aggregate classification (germline): Uncertain significance (1 of 4 stars; one submission).

Submission:

Labcorp Genetics (formerly Invitae), Labcorp
Classification: Uncertain significance. Last evaluated: 2021-10-13. Review status: criteria provided, single submitter. Criteria: Invitae Variant Classification Sherloc (09022015). Collection method: clinical testing. Allele origin: germline.
Comment: This variant has not been reported in the literature in individuals affected with CYP4V2-related conditions. This variant is not present in population databases (ExAC no frequency). This sequence change replaces alanine with glutamic acid at codon 335 of the CYP4V2 protein (p.Ala335Glu). The alanine residue is highly conserved and there is a moderate physicochemical difference between alanine and glutamic acid. Advanced modeling of protein sequence and biophysical properties (such as structural, functional, and spatial information, amino acid conservation, physicochemical variation, residue mobility, and thermodynamic stability) performed at Invitae indicates that this missense variant is not expected to disrupt CYP4V2 protein function. In summary, the available evidence is currently insufficient to determine the role of this variant in disease. Therefore, it has been classified as a Variant of Uncertain Significance.